The following is an entry in ClinVar:

ClinVar aggregate classification (germline): Uncertain significance (1 of 4 stars; one submission).

Allele frequency attached by ClinVar (database versions not stated): ExAC 0.00001; gnomAD 0.00001; gnomAD exomes 0.00001.
gnomAD v4.1: 21 of 1,613,848 alleles (0.0013%); highest among the groups gnomAD compares: Non-Finnish European, 0.0016%; no homozygotes.

Submission:

Labcorp Genetics (formerly Invitae), Labcorp
Classification: Uncertain significance. Last evaluated: 2022-04-10. Review status: criteria provided, single submitter. Criteria: Invitae Variant Classification Sherloc (09022015). Collection method: clinical testing. Allele origin: germline.
Comment: This sequence change replaces glutamic acid, which is acidic and polar, with lysine, which is basic and polar, at codon 592 of the CNNM4 protein (p.Glu592Lys). This variant is present in population databases (rs751261044, gnomAD 0.004%). This variant has not been reported in the literature in individuals affected with CNNM4-related conditions. Algorithms developed to predict the effect of missense changes on protein structure and function (SIFT, PolyPhen-2, Align-GVGD) all suggest that this variant is likely to be tolerated. In summary, the available evidence is currently insufficient to determine the role of this variant in disease. Therefore, it has been classified as a Variant of Uncertain Significance.

NM_020184.4(CNNM4):c.1774G>A (p.Glu592Lys)

Gene: CNNM4 (cyclin and CBS domain divalent metal cation transport mediator 4; plus strand). Cytogenetic location: 2q11.2.
Variant type: single nucleotide variant.
Coding change: c.1774G>A on transcript NM_020184.4 (MANE Select); coding-DNA position 1774, G replaced by A.
Protein change: p.Glu592Lys; replaces glutamic acid 592 with lysine.
Molecular consequence: missense variant.
Genome position (GRCh38, 1-based): chr2:96,799,149, G>A. VCF-style: chr2-96799149-G-A. GRCh37 (hg19) VCF-style: chr2-97464886-G-A.
Other names: short protein forms E592K.
Identifiers: ClinVar variation 1909394 (VCV001909394.5), dbSNP rs751261044, ClinGen allele CA1783466.